The following is an entry in ClinVar:

ClinVar aggregate classification (germline): Uncertain significance (1 of 4 stars; one submission).

Conditions:
Fanconi anemia complementation group O. Also called: RAD51C-Related Fanconi Anemia. Identifiers: Orphanet 84, MedGen C3150653, MONDO:0013248, OMIM 613390.

Submission:

Labcorp Genetics (formerly Invitae), Labcorp
Classification: Uncertain significance for Fanconi anemia complementation group O. Last evaluated: 2021-04-23. Review status: criteria provided, single submitter. Criteria: Invitae Variant Classification Sherloc (09022015). Collection method: clinical testing. Allele origin: germline.
Comment: In summary, the available evidence is currently insufficient to determine the role of this variant in disease. Therefore, it has been classified as a Variant of Uncertain Significance. Algorithms developed to predict the effect of missense changes on protein structure and function are either unavailable or do not agree on the potential impact of this missense change (SIFT: "Tolerated"; PolyPhen-2: "Possibly Damaging"; Align-GVGD: "Class C0"). This variant has not been reported in the literature in individuals with RAD51C-related conditions. This variant is not present in population databases (ExAC no frequency). This sequence change replaces serine with arginine at codon 47 of the RAD51C protein (p.Ser47Arg). The serine residue is moderately conserved and there is a moderate physicochemical difference between serine and arginine.

NM_058216.3(RAD51C):c.139A>C (p.Ser47Arg)

Gene: RAD51C (RAD51 paralog C; plus strand). Cytogenetic location: 17q22.
Variant type: single nucleotide variant.
Coding change: c.139A>C on transcript NM_058216.3 (MANE Select); coding-DNA position 139, A replaced by C.
Protein change: p.Ser47Arg; replaces serine 47 with arginine.
Molecular consequence: missense variant. On other transcripts: non-coding transcript variant (1).
Genome position (GRCh38, 1-based): chr17:58,692,782, A>C. VCF-style: chr17-58692782-A-C. GRCh37 (hg19) VCF-style: chr17-56770143-A-C.
Other names: c.139A>C, p.Ser47Arg (NM_002876.4); short protein forms S47R.
Identifiers: ClinVar variation 864064 (VCV000864064.9), dbSNP rs2047818737, ClinGen allele CA400337797.